The following is an entry in ClinVar:

NM_000138.5(FBN1):c.3239T>G (p.Leu1080Arg)

Gene: FBN1 (fibrillin 1; minus strand). Cytogenetic location: 15q21.1.
Variant type: single nucleotide variant.
Coding change: c.3239T>G on transcript NM_000138.5 (MANE Select); coding-DNA position 3239, T replaced by G.
Protein change: p.Leu1080Arg; replaces leucine 1080 with arginine.
Molecular consequence: missense variant.
Genome position (GRCh38, 1-based): chr15:48,488,211, A>C on the plus strand (T>G on the coding strand, the complement: FBN1 is on the minus strand). VCF-style: chr15-48488211-A-C. GRCh37 (hg19) VCF-style: chr15-48780408-A-C.
Other names: short protein forms L1080R.
Identifiers: ClinVar variation 960628 (VCV000960628.10), dbSNP rs2043525655, ClinGen allele CA392327575.

ClinVar aggregate classification (germline): Uncertain significance. Review status: criteria provided, multiple submitters, no conflicts (2 of 4 stars). 2 submissions from 2 submitters: Uncertain significance (2). Last evaluated 2025-03-04.

Conditions:
Marfan syndrome (MFS). Also called: FBN1-Related Marfan Syndrome; MARFAN SYNDROME, TYPE I; Marfan syndrome type 1; Marfan's syndrome; Marfan syndrome, classic. Identifiers: Orphanet 284963, Orphanet 558, MedGen C0024796, MONDO:0007947, OMIM 154700.
Familial thoracic aortic aneurysm and aortic dissection (TAAD). Also called: Thoracic aortic aneurysms and dissections. Identifiers: Orphanet 91387, MedGen C4707243, MONDO:0019625.

Submissions (2):

GeneDx
Classification: Uncertain significance. Last evaluated: 2025-03-04. Review status: criteria provided, single submitter. Criteria: GeneDx Variant Classification Process June 2021. Collection method: clinical testing. Allele origin: germline. Affected: yes.
Comment: Not observed at significant frequency in large population cohorts (gnomAD); In silico analysis supports that this missense variant has a deleterious effect on protein structure/function; Has not been previously published as pathogenic or benign to our knowledge; Does not affect a cysteine or calcium-binding residue within an EGF-like domain or a TGF-binding protein domain of the FBN1 gene; cysteine substitutions in the EGF-like domains represent the majority of pathogenic missense changes associated with FBN1-related disorders (PMID: 12938084); This variant is associated with the following publications: (PMID: 12938084)

Labcorp Genetics (formerly Invitae), Labcorp
Classification: Uncertain significance for Marfan syndrome; Familial thoracic aortic aneurysm and aortic dissection. Last evaluated: 2019-07-05. Review status: criteria provided, single submitter. Criteria: Invitae Variant Classification Sherloc (09022015). Collection method: clinical testing. Allele origin: germline.
Comment: In summary, the available evidence is currently insufficient to determine the role of this variant in disease. Therefore, it has been classified as a Variant of Uncertain Significance. Algorithms developed to predict the effect of missense changes on protein structure and function are either unavailable or do not agree on the potential impact of this missense change (SIFT: "Deleterious"; PolyPhen-2: "Probably Damaging"; Align-GVGD: "Class C0"). This variant has not been reported in the literature in individuals with FBN1-related conditions. This variant is not present in population databases (ExAC no frequency). This sequence change replaces leucine with arginine at codon 1080 of the FBN1 protein (p.Leu1080Arg). The leucine residue is moderately conserved and there is a moderate physicochemical difference between leucine and arginine.